The following is an entry in ClinVar:

NM_182760.4(SUMF1):c.818A>G (p.Asp273Gly)

Gene: SUMF1 (sulfatase modifying factor 1; minus strand). Cytogenetic location: 3p26.1.
Variant type: single nucleotide variant.
Coding change: c.818A>G on transcript NM_182760.4 (MANE Select); coding-DNA position 818, A replaced by G.
Protein change: p.Asp273Gly; replaces aspartic acid 273 with glycine.
Molecular consequence: missense variant.
Genome position (GRCh38, 1-based): chr3:4,417,150, T>C on the plus strand (A>G on the coding strand, the complement: SUMF1 is on the minus strand). VCF-style: chr3-4417150-T-C. GRCh37 (hg19) VCF-style: chr3-4458834-T-C.
Other names: c.743A>G, p.Asp248Gly (NM_001164674.2); c.818A>G, p.Asp273Gly (NM_001164675.2); short protein forms D273G, D248G.
Identifiers: ClinVar variation 1029322 (VCV001029322.8), dbSNP rs772711848, ClinGen allele CA68802149.

ClinVar aggregate classification (germline): Pathogenic/Likely pathogenic. Review status: criteria provided, multiple submitters, no conflicts (2 of 4 stars). 2 submissions from 2 submitters: Pathogenic (1); Likely pathogenic (1). Last evaluated 2025-02-13.

Conditions:
Multiple sulfatase deficiency (MSD). Also called: Mucosulfatidosis; Multiple Sulfatase Deficiency Disease; Sulfatidosis, Juvenile, Austin Type. Identifiers: Orphanet 585, MedGen C0268263, MONDO:0010088, OMIM 272200.

Allele frequency attached by ClinVar (database versions not stated): gnomAD 0.00001.
gnomAD v4.1: 4 of 1,613,794 alleles (0.00025%); highest among the groups gnomAD compares: Admixed American, 0.0017%; no homozygotes.

Submissions (2):

Natera, Inc.
Classification: Likely pathogenic for Multiple sulfatase deficiency. Last evaluated: 2025-02-13. Review status: criteria provided, single submitter. Criteria: Natera Variant Classification Schema (03/2026). Collection method: clinical testing. Allele origin: germline.
Comment: The c.818A>G variant in SUMF1 is a missense variant predicted to cause substitution of aspartic acid to glycine at amino acid 273. This variant is rare in the general population with a frequency below the threshold expected for the associated phenotype(s). This variant has been observed in one or more individuals affected with the associated recessive disease, as either homozygous or compound heterozygous with a second variant (PMID: 25516103). A different variant at the same position has been determined to be Pathogenic or Likely Pathogenic. Computational prediction algorithms indicate this variant is likely to affect gene or protein function. Given the available evidence, this variant is classified as Likely Pathogenic.

Labcorp Genetics (formerly Invitae), Labcorp
Classification: Pathogenic for Multiple sulfatase deficiency. Last evaluated: 2025-01-15. Review status: criteria provided, single submitter. Criteria: Invitae Variant Classification Sherloc (09022015). Collection method: clinical testing. Allele origin: germline.
Comment: This sequence change replaces aspartic acid, which is acidic and polar, with glycine, which is neutral and non-polar, at codon 273 of the SUMF1 protein (p.Asp273Gly). This variant is not present in population databases (gnomAD no frequency). This missense change has been observed in individual(s) with multiple sulfatase deficiency (PMID: 25516103). In at least one individual the data is consistent with being in trans (on the opposite chromosome) from a pathogenic variant. ClinVar contains an entry for this variant (Variation ID: 1029322). Invitae Evidence Modeling of protein sequence and biophysical properties (such as structural, functional, and spatial information, amino acid conservation, physicochemical variation, residue mobility, and thermodynamic stability) indicates that this missense variant is expected to disrupt SUMF1 protein function with a positive predictive value of 95%. For these reasons, this variant has been classified as Pathogenic.

Literature cited by the submitters: PubMed 25516103 (cited by Natera, Inc. and Labcorp Genetics (formerly Invitae), Labcorp).